The following is an entry in ClinVar:

NM_001258392.3(CLPB):c.449_451delinsAATAT (p.Val150fs)

Gene: CLPB (ClpB family mitochondrial disaggregase; minus strand). Cytogenetic location: 11q13.4.
Variant type: Indel.
Coding change: c.449_451delinsAATAT on transcript NM_001258392.3 (MANE Select); coding-DNA positions 449 to 451, TCA replaced by AATAT.
Protein change: p.Val150fs; shifts the reading frame from valine 150.
Molecular consequence: frameshift variant.
Genome position (GRCh38, 1-based): chr11:72,430,316-72,430,318, TGA replaced by ATATT on the plus strand (TCA replaced by AATAT on the coding strand, the reverse complement: CLPB is on the minus strand). VCF-style: chr11-72430316-TGA-ATATT. GRCh37 (hg19) VCF-style: chr11-72141360-TGA-ATATT.
Other names: c.449_451delinsAATAT, p.Val150fs (NM_001258393.3, NM_030813.6); c.207_209delinsAATAT, p.Ser69fs (NM_001258394.3); short protein forms S69fs, V150fs.
Identifiers: ClinVar variation 972600 (VCV000972600.6), dbSNP rs1856508068, ClinGen allele CA1139662088.

ClinVar aggregate classification (germline): Pathogenic (1 of 4 stars; one submission).

Conditions:
3-methylglutaconic aciduria, type VIIB (MGCA7B). Also called: CLPB Deficiency; 3-methylglutaconic aciduria, type VII, with cataracts, neurologic involvement and neutropenia; 3-methylglutaconic aciduria with cataracts, neurologic involvement and neutropenia. Identifiers: Orphanet 445038, MedGen C5676893, MONDO:0014561, OMIM 616271.

Submission:

Labcorp Genetics (formerly Invitae), Labcorp
Classification: Pathogenic for 3-methylglutaconic aciduria, type VIIB. Last evaluated: 2019-05-06. Review status: criteria provided, single submitter. Criteria: Invitae Variant Classification Sherloc (09022015). Collection method: clinical testing. Allele origin: germline.
Comment: This sequence change creates a premature translational stop signal (p.Val150Glufs*92) in the CLPB gene. It is expected to result in an absent or disrupted protein product. This variant is not present in population databases (ExAC no frequency). This variant has not been reported in the literature in individuals with CLPB-related conditions. Loss-of-function variants in CLPB are known to be pathogenic (PMID: 25597510, 28687938). For these reasons, this variant has been classified as Pathogenic.

Literature cited by the submitters: PubMed 25597510; PubMed 28687938.